The following is an entry in ClinVar:

ClinVar aggregate classification (germline): Pathogenic (1 of 4 stars; one submission).

Submission:

Labcorp Genetics (formerly Invitae), Labcorp
Classification: Pathogenic. Last evaluated: 2021-04-16. Review status: criteria provided, single submitter. Criteria: Invitae Variant Classification Sherloc (09022015). Collection method: clinical testing. Allele origin: germline.
Comment: For these reasons, this variant has been classified as Pathogenic. Retrotransposon insertions including LINE1 (L1), Alu, and SVA (SINE-VNTR-Alu) have been reported to be disease-causing through disruption of either a coding region or splice site (PMID: 19763152, 20307669, 22406018) and loss-of-function variants in PHEX are known to be pathogenic (PMID: 9097956, 9106524, 19219621). Algorithms developed to predict the effect of sequence changes on RNA splicing suggest that this variant may create or strengthen a splice site, but this prediction has not been confirmed by published transcriptional studies. This variant has not been reported in the literature in individuals with PHEX-related conditions. This variant is not present in population databases (ExAC no frequency). This sequence change inserts a large fragment of DNA, likely a transposable element, in exon 9 of the PHEX gene (c.1052_1053ins?), causing a frameshift at codon 351 (p.Phe351fs). The exact size and sequence of the insertion cannot be determined by the current assay. However, the insertion is expected to result in an absent or disrupted protein product.

Literature cited by the submitters: PubMed 19763152; PubMed 20307669; PubMed 22406018; PubMed 9097956; PubMed 9106524; PubMed 19219621.

NM_000444.6(PHEX):c.1052_1053insAGATATACCTAATGCTAGATGACACATTAGTGGGTGCAGCGCACCAGCATGGCACATGTATACATATGTAACTAACCTGCACAATGTGCACATGTACCCTAAAACTTAGAGTATANNNNNNNNNNAAAAAAAAAAAAAAAAAAAAAAAGATTTGTT (p.Phe351delinsLeuAspIleProAsnAlaArgTer)

Gene: PHEX (phosphate regulating endopeptidase X-linked; plus strand). Cytogenetic location: Xp22.11.
Variant type: Insertion.
Coding change: c.1052_1053insAGATATACCTAATGCTAGATGACACATTAGTGGGTGCAGCGCACCAGCATGGCACATGTATACATATGTAACTAACCTGCACAATGTGCACATGTACCCTAAAACTTAGAGTATANNNNNNNNNNAAAAAAAAAAAAAAAAAAAAAAAGATTTGTT on transcript NM_000444.6 (MANE Select); coding-DNA positions 1052 to 1053, AGATATACCTAATGCTAGATGACACATTAGTGGGTGCAGCGCACCAGCATGGCACATGTATACATATGTAACTAACCTGCACAATGTGCACATGTACCCTAAAACTTAGAGTATANNNNNNNNNNAAAAAAAAAAAAAAAAAAAAAAAGATTTGTT inserted.
Protein change: p.Phe351delinsLeuAspIleProAsnAlaArgTer.
Molecular consequence: nonsense.
Genome position: GRCh38: chrX:22,099,124-22,099,125. GRCh37 (hg19): chrX:22,117,242-22,117,243.
Other names: c.1052_1053insAGATATACCTAATGCTAGATGACACATTAGTGGGTGCAGCGCACCAGCATGGCACATGTATACATATGTAACTAACCTGCACAATGTGCACATGTACCCTAAAACTTAGAGTATANNNNNNNNNNAAAAAAAAAAAAAAAAAAAAAAAGATTTGTT, p.Phe351delinsLeuAspIleProAsnAlaArgTer (NM_001282754.2).
Identifiers: ClinVar variation 1417966 (VCV001417966.6), dbSNP rs2147047486.